The following is an entry in ClinVar:

NM_015338.6(ASXL1):c.2261C>G (p.Thr754Ser)

Gene: ASXL1 (ASXL transcriptional regulator 1; plus strand). Cytogenetic location: 20q11.21.
Variant type: single nucleotide variant.
Coding change: c.2261C>G on transcript NM_015338.6 (MANE Select); coding-DNA position 2261, C replaced by G.
Protein change: p.Thr754Ser; replaces threonine 754 with serine.
Molecular consequence: missense variant.
Genome position (GRCh38, 1-based): chr20:32,434,973, C>G. VCF-style: chr20-32434973-C-G. GRCh37 (hg19) VCF-style: chr20-31022776-C-G.
Other names: c.2078C>G, p.Thr693Ser (NM_001363734.1); short protein forms T754S, T693S.
Identifiers: ClinVar variation 1944345 (VCV001944345.5), dbSNP rs1184551610, ClinGen allele CA408559441.

ClinVar aggregate classification (germline): Uncertain significance (1 of 4 stars; one submission).

gnomAD v4.1: 2 of 1,614,214 alleles (0.00012%); highest among the groups gnomAD compares: Admixed American, 0.0017%; no homozygotes.

Submission:

Labcorp Genetics (formerly Invitae), Labcorp
Classification: Uncertain significance. Last evaluated: 2024-10-16. Review status: criteria provided, single submitter. Criteria: Invitae Variant Classification Sherloc (09022015). Collection method: clinical testing. Allele origin: germline.
Comment: This sequence change replaces threonine, which is neutral and polar, with serine, which is neutral and polar, at codon 754 of the ASXL1 protein (p.Thr754Ser). This variant is present in population databases (no rsID available, gnomAD 0.003%). This variant has not been reported in the literature in individuals affected with ASXL1-related conditions. ClinVar contains an entry for this variant (Variation ID: 1944345). An algorithm developed to predict the effect of missense changes on protein structure and function outputs the following: PolyPhen-2: "Possibly Damaging". The serine amino acid residue is found in multiple mammalian species, which suggests that this missense change does not adversely affect protein function. In summary, the available evidence is currently insufficient to determine the role of this variant in disease. Therefore, it has been classified as a Variant of Uncertain Significance.